The following is an entry in ClinVar:

ClinVar aggregate classification (germline): Uncertain significance. Review status: criteria provided, multiple submitters, no conflicts (2 of 4 stars). 2 submissions from 2 submitters: Uncertain significance (2). Last evaluated 2025-10-28.

Allele frequency attached by ClinVar (database versions not stated): ExAC 0.00001; gnomAD 0.00002; gnomAD exomes 0.00002; TOPMed 0.00003.

Submissions (2):

Ambry Genetics
Classification: Uncertain significance. Last evaluated: 2025-10-28. Review status: criteria provided, single submitter. Criteria: Ambry Variant Classification Scheme 2023. Collection method: clinical testing. Allele origin: germline.

Labcorp Genetics (formerly Invitae), Labcorp
Classification: Uncertain significance. Last evaluated: 2024-02-17. Review status: criteria provided, single submitter. Criteria: Invitae Variant Classification Sherloc (09022015). Collection method: clinical testing. Allele origin: germline.
Comment: This sequence change replaces proline, which is neutral and non-polar, with serine, which is neutral and polar, at codon 1077 of the PLEKHG2 protein (p.Pro1077Ser). This variant is present in population databases (rs756677238, gnomAD 0.004%). This variant has not been reported in the literature in individuals affected with PLEKHG2-related conditions. ClinVar contains an entry for this variant (Variation ID: 1489563). An algorithm developed to predict the effect of missense changes on protein structure and function (PolyPhen-2) suggests that this variant is likely to be tolerated. In summary, the available evidence is currently insufficient to determine the role of this variant in disease. Therefore, it has been classified as a Variant of Uncertain Significance.

NM_022835.3(PLEKHG2):c.3229C>T (p.Pro1077Ser)

Gene: PLEKHG2 (pleckstrin homology and RhoGEF domain containing G2; plus strand). Cytogenetic location: 19q13.2.
Variant type: single nucleotide variant.
Coding change: c.3229C>T on transcript NM_022835.3 (MANE Select); coding-DNA position 3229, C replaced by T.
Protein change: p.Pro1077Ser; replaces proline 1077 with serine.
Molecular consequence: missense variant. On other transcripts: intron variant (1).
Genome position (GRCh38, 1-based): chr19:39,424,362, C>T. VCF-style: chr19-39424362-C-T. GRCh37 (hg19) VCF-style: chr19-39915002-C-T.
Other names: c.3052C>T, p.Pro1018Ser (NM_001351693.2); c.1678-876C>T (NM_001351694.2); c.3229C>T (NM_022835.2); short protein forms P1018S, P1077S.
Identifiers: ClinVar variation 1489563 (VCV001489563.8), dbSNP rs756677238, ClinGen allele CA9429954.